The following is an entry in ClinVar:

NM_001242957.3(MAK):c.814C>T (p.Arg272Ter)

Gene: MAK (male germ cell associated kinase; minus strand). Cytogenetic location: 6p24.2.
Variant type: single nucleotide variant.
Coding change: c.814C>T on transcript NM_001242957.3 (MANE Select); coding-DNA position 814, C replaced by T.
Protein change: p.Arg272Ter; replaces arginine 272 with a stop codon.
Molecular consequence: nonsense. On other transcripts: non-coding transcript variant (2).
Genome position (GRCh38, 1-based): chr6:10,801,909, G>A on the plus strand (C>T on the coding strand, the complement: MAK is on the minus strand). VCF-style: chr6-10801909-G-A. GRCh37 (hg19) VCF-style: chr6-10802142-G-A.
Other names: c.814C>T, p.Arg272Ter (NM_001242385.2, NM_005906.6); c.712C>T, p.Arg238Ter (NM_001377262.1); short protein forms R272*, R238*.
Identifiers: ClinVar variation 636040 (VCV000636040.11), dbSNP rs753314164, ClinGen allele CA3633628.

ClinVar aggregate classification (germline): Pathogenic/Likely pathogenic. Review status: criteria provided, multiple submitters, no conflicts (2 of 4 stars). 5 submissions from 5 submitters: Pathogenic (3); Likely pathogenic (1). 1 of the submissions does not count toward it. Last evaluated 2025-12-01.

Conditions:
Retinitis pigmentosa (RP). Identifiers: Orphanet 791, MedGen C0035334, MeSH D012174, MONDO:0019200, OMIM 268000. Inheritance: Autosomal dominant, autosomal recessive and X linked inheritance.
Retinitis pigmentosa 62 (RP62). Identifiers: Orphanet 791, MedGen C3280042, MONDO:0013611, OMIM 614181.
MAK-related disorders.

Allele frequency attached by ClinVar (database versions not stated): ExAC 0.00001; gnomAD exomes 0.00001.
gnomAD v4.1: 21 of 1,614,094 alleles (0.0013%); highest among the groups gnomAD compares: South Asian, 0.0022%; no homozygotes.

Submissions (5):

Labcorp Genetics (formerly Invitae), Labcorp
Classification: Pathogenic. Last evaluated: 2025-12-01. Review status: criteria provided, single submitter. Criteria: Invitae Variant Classification Sherloc (09022015). Collection method: clinical testing. Allele origin: germline.
Comment: This sequence change creates a premature translational stop signal (p.Arg272*) in the MAK gene. It is expected to result in an absent or disrupted protein product. Loss-of-function variants in MAK are known to be pathogenic (PMID: 21148103, 21825139, 24938718, 29781741). This variant is present in population databases (rs753314164, gnomAD 0.002%). This premature translational stop signal has been observed in individual(s) with retinitis pigmentosa (PMID: 30718709). ClinVar contains an entry for this variant (Variation ID: 636040). For these reasons, this variant has been classified as Pathogenic.

Fulgent Genetics
Classification: Pathogenic for Retinitis pigmentosa 62. Last evaluated: 2024-02-25. Review status: criteria provided, single submitter. Criteria: ACMG Guidelines, 2015. Collection method: clinical testing. Allele origin: germline.

Blueprint Genetics
Classification: Likely pathogenic for MAK-related disorders. Last evaluated: 2023-06-13. Review status: criteria provided, single submitter. Criteria: ACMG Guidelines, 2015. Collection method: clinical testing. Allele origin: germline. Affected: yes. Observed: 5 variant alleles.

Mendelics
Classification: Pathogenic for Retinitis pigmentosa. Last evaluated: 2019-05-28. Review status: criteria provided, single submitter. Criteria: Mendelics Assertion Criteria 2017. Collection method: clinical testing. Allele origin: unknown.

Department of Clinical Genetics, Copenhagen University Hospital, Rigshospitalet
Classification: Likely pathogenic for Retinitis pigmentosa. Last evaluated: 2018-04-01. Review status: no assertion criteria provided. Collection method: research. Allele origin: unknown. Affected: yes. Study: VeluxRD. Not counted in ClinVar's aggregate classification.

Literature cited by the submitters: PubMed 21148103 (cited by Labcorp Genetics (formerly Invitae), Labcorp); PubMed 21825139 (cited by Labcorp Genetics (formerly Invitae), Labcorp); PubMed 24938718 (cited by Labcorp Genetics (formerly Invitae), Labcorp); PubMed 29781741 (cited by Labcorp Genetics (formerly Invitae), Labcorp); PubMed 30718709 (cited by Labcorp Genetics (formerly Invitae), Labcorp and Department of Clinical Genetics, Copenhagen University Hospital, Rigshospitalet).